The following is an entry in ClinVar:

NM_006736.6(DNAJB2):c.705G>A (p.Gln235=)

Gene: DNAJB2 (DnaJ heat shock protein family (Hsp40) member B2; plus strand). Cytogenetic location: 2q35.
Variant type: single nucleotide variant.
Coding change: c.705G>A on transcript NM_006736.6 (MANE Select); coding-DNA position 705, G replaced by A.
Protein change: p.Gln235=; no amino-acid change (glutamine 235 retained).
Molecular consequence: synonymous variant.
Genome position (GRCh38, 1-based): chr2:219,284,717, G>A. VCF-style: chr2-219284717-G-A. GRCh37 (hg19) VCF-style: chr2-220149439-G-A.
Other names: c.705G>A, p.Gln235= (NM_001039550.2); c.705G>A (NM_006736.5).
Identifiers: ClinVar variation 726724 (VCV000726724.10), dbSNP rs752273176, ClinGen allele CA2123084.

ClinVar aggregate classification (germline): Likely benign. Review status: criteria provided, multiple submitters, no conflicts (2 of 4 stars). 2 submissions from 2 submitters: Likely benign (2). Last evaluated 2025-07-31.

Conditions:
Neuronopathy, distal hereditary motor, autosomal recessive 5. Also called: NEUROPATHY, DISTAL HEREDITARY MOTOR, AUTOSOMAL RECESSIVE 5; Spinal muscular atrophy, distal, autosomal recessive, 5; Young adult-onset distal hereditary motor neuropathy. Identifiers: Orphanet 314485, Orphanet 443950, MedGen C4749918, MONDO:0013947, OMIM 614881.
DNAJB2-related disorder. Also called: DNAJB2-related condition.

Allele frequency attached by ClinVar (database versions not stated): gnomAD exomes 0.00001; ExAC 0.00002; TOPMed 0.00004; gnomAD 0.00005.

Submissions (2):

PreventionGenetics, part of Exact Sciences
Classification: Likely benign for DNAJB2-related condition. Last evaluated: 2025-07-31. Review status: criteria provided, single submitter. Criteria: ACMG Guidelines, 2015. Collection method: clinical testing. Allele origin: germline.
Comment: This variant is classified as likely benign based on ACMG/AMP sequence variant interpretation guidelines (Richards et al. 2015 PMID: 25741868, with internal and published modifications).

Labcorp Genetics (formerly Invitae), Labcorp
Classification: Likely benign for Neuronopathy, distal hereditary motor, autosomal recessive 5. Last evaluated: 2025-03-10. Review status: criteria provided, single submitter. Criteria: Invitae Variant Classification Sherloc (09022015). Collection method: clinical testing. Allele origin: germline.